The following is an entry in ClinVar:

NM_000143.4(FH):c.37C>T (p.Pro13Ser)

Gene: FH (fumarate hydratase; minus strand). Cytogenetic location: 1q43.
Variant type: single nucleotide variant.
Coding change: c.37C>T on transcript NM_000143.4 (MANE Select); coding-DNA position 37, C replaced by T.
Protein change: p.Pro13Ser; replaces proline 13 with serine.
Molecular consequence: missense variant.
Genome position (GRCh38, 1-based): chr1:241,519,686, G>A on the plus strand (C>T on the coding strand, the complement: FH is on the minus strand). VCF-style: chr1-241519686-G-A. GRCh37 (hg19) VCF-style: chr1-241682986-G-A.
Other names: short protein forms P13S.
Identifiers: ClinVar variation 231067 (VCV000231067.14), dbSNP rs587778360, ClinGen allele CA10577692.
Genomic context (GRCh38, chr1:241,519,686, plus strand): 5'-CGGCCGCGCCACCCAAGCCGGGAGCCGAAGCTAAGGCTGCGGCTGGAGCCCGCACGAGGG[G>A]ACGCGAGCGCGCGAGGAGCCGAAGTGCTCGGTACATGGTGCTGAGGGAGCTTGGGTAGAA-3'
Protein context (NP_000134.2, residues 3-23): RALRLLARSR[Pro13Ser]LVRAPAAALA

ClinVar aggregate classification (germline): Uncertain significance. Review status: criteria provided, multiple submitters, no conflicts (2 of 4 stars). 3 submissions from 3 submitters: Uncertain significance (2). 1 of the submissions does not count toward it. Last evaluated 2026-02-02.

Conditions:
Hereditary cancer-predisposing syndrome. Also called: Hereditary Cancer Syndrome; Neoplastic Syndromes, Hereditary; Tumor predisposition; Hereditary neoplastic syndrome. Identifiers: Orphanet 140162, MedGen C0027672, MeSH D009386, MONDO:0015356.
Fumarase deficiency (FMRD). Also called: Fumaric aciduria; Fumarate Hydratase Deficiency. Identifiers: Orphanet 24, MedGen C0342770, MONDO:0011730, OMIM 606812.

Allele frequency attached by ClinVar (database versions not stated): TOPMed 0.00002.

Submissions (3):

Labcorp Genetics (formerly Invitae), Labcorp
Classification: Uncertain significance. Last evaluated: 2026-02-02. Review status: criteria provided, single submitter. Criteria: Invitae Variant Classification Sherloc (09022015). Collection method: clinical testing. Allele origin: germline.
Comment: This sequence change replaces proline, which is neutral and non-polar, with serine, which is neutral and polar, at codon 13 of the FH protein (p.Pro13Ser). This variant is present in population databases (no rsID available, gnomAD 0.002%). This variant has not been reported in the literature in individuals affected with FH-related conditions. ClinVar contains an entry for this variant (Variation ID: 231067). Invitae Evidence Modeling of protein sequence and biophysical properties (such as structural, functional, and spatial information, amino acid conservation, physicochemical variation, residue mobility, and thermodynamic stability) indicates that this missense variant is not expected to disrupt FH protein function with a negative predictive value of 95%. In summary, the available evidence is currently insufficient to determine the role of this variant in disease. Therefore, it has been classified as a Variant of Uncertain Significance.

Ambry Genetics
Classification: Uncertain significance for Hereditary cancer-predisposing syndrome. Last evaluated: 2024-03-03. Review status: criteria provided, single submitter. Criteria: Ambry Variant Classification Scheme 2023. Collection method: clinical testing. Allele origin: germline.
Comment: The p.P13S variant (also known as c.37C>T), located in coding exon 1 of the FH gene, results from a C to T substitution at nucleotide position 37. The proline at codon 13 is replaced by serine, an amino acid with similar properties. This amino acid position is poorly conserved in available vertebrate species. In addition, this alteration is predicted to be tolerated by in silico analysis. Since supporting evidence is limited at this time, the clinical significance of this alteration remains unclear.

Natera, Inc.
Classification: Uncertain significance for Fumarase Deficiency. Last evaluated: 2025-04-14. Review status: no assertion criteria provided. Collection method: clinical testing. Allele origin: germline. Not counted in ClinVar's aggregate classification.